The following is an entry in ClinVar:

NM_170606.3(KMT2C):c.3090A>G (p.Ile1030Met)

Gene: KMT2C (lysine methyltransferase 2C; minus strand). Cytogenetic location: 7q36.1.
Variant type: single nucleotide variant.
Coding change: c.3090A>G on transcript NM_170606.3 (MANE Select); coding-DNA position 3090, A replaced by G.
Protein change: p.Ile1030Met; replaces isoleucine 1030 with methionine.
Molecular consequence: missense variant.
Genome position (GRCh38, 1-based): chr7:152,224,503, T>C on the plus strand (A>G on the coding strand, the complement: KMT2C is on the minus strand). VCF-style: chr7-152224503-T-C. GRCh37 (hg19) VCF-style: chr7-151921588-T-C.
Other names: short protein forms I1030M.
Identifiers: ClinVar variation 3603076 (VCV003603076.1).

ClinVar aggregate classification (germline): Uncertain significance (1 of 4 stars; one submission).

gnomAD v4.1: 1 of 1,611,858 alleles (0.000062%); highest among the groups gnomAD compares: Non-Finnish European, 0.000085%; no homozygotes.

Submission:

GeneDx
Classification: Uncertain significance. Last evaluated: 2024-08-04. Review status: criteria provided, single submitter. Criteria: GeneDx Variant Classification Process June 2021. Collection method: clinical testing. Allele origin: germline. Affected: yes.
Comment: Not observed at significant frequency in large population cohorts (gnomAD); In silico analysis supports that this missense variant has a deleterious effect on protein structure/function; Has not been previously published as pathogenic or benign to our knowledge